The following is an entry in ClinVar:

NM_001242896.3(DEPDC5):c.4592C>T (p.Thr1531Ile)

Gene: DEPDC5 (DEP domain containing 5, GATOR1 subcomplex subunit; plus strand). Cytogenetic location: 22q12.3.
Variant type: single nucleotide variant.
Coding change: c.4592C>T on transcript NM_001242896.3 (MANE Select); coding-DNA position 4592, C replaced by T.
Protein change: p.Thr1531Ile; replaces threonine 1531 with isoleucine.
Molecular consequence: missense variant. On other transcripts: non-coding transcript variant (5).
Genome position (GRCh38, 1-based): chr22:31,906,277, C>T. VCF-style: chr22-31906277-C-T. GRCh37 (hg19) VCF-style: chr22-32302263-C-T.
Other names: c.4499C>T, p.Thr1500Ile (NM_014662.6, NM_001369903.1); c.4565C>T, p.Thr1522Ile (NM_001136029.4); c.4292C>T, p.Thr1431Ile (NM_001242897.2); c.4526C>T, p.Thr1509Ile (NM_001363852.2, NM_001364320.2); c.4358C>T, p.Thr1453Ile (NM_001363854.2, NM_001364319.2); c.4592C>T, p.Thr1531Ile (NM_001364318.2); c.4508C>T, p.Thr1503Ile (NM_001369901.1, NM_001369902.1); short protein forms T1431I, T1531I, T1503I, T1500I, T1453I, T1509I, T1522I.
Identifiers: ClinVar variation 420519 (VCV000420519.10), dbSNP rs1064794532, ClinGen allele CA16621116.

ClinVar aggregate classification (germline): Uncertain significance. Review status: criteria provided, multiple submitters, no conflicts (2 of 4 stars). 2 submissions from 2 submitters: Uncertain significance (2). Last evaluated 2022-09-03.

Conditions:
Familial focal epilepsy with variable foci (FPEVF). Identifiers: Orphanet 98820, MedGen C1858477, MONDO:0020310.

Allele frequency attached by ClinVar (database versions not stated): TOPMed below 0.00001; gnomAD exomes 0.00001.
gnomAD v4.1: 10 of 1,613,800 alleles (0.00062%); highest among the groups gnomAD compares: Non-Finnish European, 0.00068%; no homozygotes.

Submissions (2):

Labcorp Genetics (formerly Invitae), Labcorp
Classification: Uncertain significance for Familial focal epilepsy with variable foci. Last evaluated: 2022-09-03. Review status: criteria provided, single submitter. Criteria: Invitae Variant Classification Sherloc (09022015). Collection method: clinical testing. Allele origin: germline.
Comment: This variant is present in population databases (no rsID available, gnomAD 0.0009%). This sequence change replaces threonine, which is neutral and polar, with isoleucine, which is neutral and non-polar, at codon 1531 of the DEPDC5 protein (p.Thr1531Ile). This variant has not been reported in the literature in individuals affected with DEPDC5-related conditions. In summary, the available evidence is currently insufficient to determine the role of this variant in disease. Therefore, it has been classified as a Variant of Uncertain Significance. Algorithms developed to predict the effect of missense changes on protein structure and function are either unavailable or do not agree on the potential impact of this missense change (SIFT: "Deleterious"; PolyPhen-2: "Not Available"; Align-GVGD: "Class C0"). ClinVar contains an entry for this variant (Variation ID: 420519).

GeneDx
Classification: Uncertain significance. Last evaluated: 2018-04-27. Review status: criteria provided, single submitter. Criteria: GeneDx Variant Classification (06012015). Collection method: clinical testing. Allele origin: germline. Affected: yes.
Comment: The T1531I variant in the DEPDC5 gene has not been reported previously as a pathogenic variant, nor as a benign variant, to our knowledge. The T1531I variant was not observed in approximately 6100 individuals of European and African American ancestry in the NHLBI Exome Sequencing Project, indicating it is not a common benign variant in these populations. The T1531I variant is a non-conservative amino acid substitution, which is likely to impact secondary protein structure as these residues differ in polarity, charge, size and/or other properties. This substitution occurs at a position that is conserved across species. In silico analysis is inconsistent in its predictions as to whether or not the variant is damaging to the protein structure/function. We interpret T1531I as a variant of uncertain significance.